The following is an entry in ClinVar:

ClinVar aggregate classification (germline): Likely pathogenic (1 of 4 stars; one submission).

Conditions:
Familial dysautonomia. Also called: HSAN III; FD. Identifiers: Orphanet 1764, MedGen C0013364, MONDO:0009131, OMIM 223900. Disease mechanism: loss of function.

Submission:

Natera, Inc.
Classification: Likely pathogenic for Familial dysautonomia. Last evaluated: 2025-07-21. Review status: criteria provided, single submitter. Criteria: Natera Variant Classification Schema (03/2026). Collection method: clinical testing. Allele origin: germline.
Comment: The c.740+2T>G variant in ELP1 is a canonical splice donor site variant predicted to affect pre-mRNA splicing, which may result in an abnormal transcript and altered protein product. This variant is expected to result in nonsense mediated decay, truncation, or a dysfunctional protein product. This variant is rare in the general population with a frequency below the threshold expected for the associated phenotype(s). Given the available evidence, this variant is classified as Likely Pathogenic.

NM_003640.5(ELP1):c.740+2T>G

Gene: ELP1 (elongator acetyltransferase complex subunit 1; minus strand). Cytogenetic location: 9q31.3.
Variant type: single nucleotide variant.
Coding change: c.740+2T>G on transcript NM_003640.5 (MANE Select); the canonical splice donor site of the intron after coding-DNA position 740, T replaced by G.
Molecular consequence: splice donor variant. On other transcripts: intron variant (1).
Genome position (GRCh38, 1-based): chr9:108,918,809, A>C on the plus strand (T>G on the coding strand, the complement: ELP1 is on the minus strand). VCF-style: chr9-108918809-A-C. GRCh37 (hg19) VCF-style: chr9-111681089-A-C.
Other names: c.398+2T>G (NM_001318360.2); c.-307-1139T>G (NM_001330749.2).
Identifiers: ClinVar variation 4815247 (VCV004815247.1).